The following is an entry in ClinVar:

NM_000426.4(LAMA2):c.4045A>G (p.Met1349Val)

Gene: LAMA2 (laminin subunit alpha 2; plus strand). Cytogenetic location: 6q22.33.
Variant type: single nucleotide variant.
Coding change: c.4045A>G on transcript NM_000426.4 (MANE Select); coding-DNA position 4045, A replaced by G.
Protein change: p.Met1349Val; replaces methionine 1349 with valine.
Molecular consequence: missense variant.
Genome position (GRCh38, 1-based): chr6:129,316,158, A>G. VCF-style: chr6-129316158-A-G. GRCh37 (hg19) VCF-style: chr6-129637303-A-G.
Other names: c.4045A>G, p.Met1349Val (NM_001079823.2); short protein forms M1349V.
Identifiers: ClinVar variation 2141938 (VCV002141938.2), dbSNP rs150743601, ClinGen allele CA3993415.

ClinVar aggregate classification (germline): Uncertain significance. Review status: criteria provided, multiple submitters, no conflicts (2 of 4 stars). 2 submissions from 2 submitters: Uncertain significance (2). Last evaluated 2026-05-20.

Conditions:
LAMA2-related muscular dystrophy (LAMA2-RD). Also called: Laminin alpha 2-related dystrophy. Identifiers: MedGen C5679788, MONDO:0100228.
Inborn genetic diseases. Identifiers: MedGen C0950123, MeSH D030342.

Allele frequency attached by ClinVar (database versions not stated): ExAC 0.00002; 1000 Genomes Project 0.00020; 1000 Genomes Project 30x 0.00031.

Submissions (2):

Ambry Genetics
Classification: Uncertain significance for Inborn genetic diseases. Last evaluated: 2026-05-20. Review status: criteria provided, single submitter. Criteria: Ambry Variant Classification Scheme 2023. Collection method: clinical testing. Allele origin: germline.
Comment: The c.4045A>G (p.M1349V) alteration is located in exon 27 (coding exon 27) of the LAMA2 gene. This alteration results from a A to G substitution at nucleotide position 4045, causing the methionine (M) at amino acid position 1349 to be replaced by a valine (V). Based on data from gnomAD, the G allele has an overall frequency of 0.001% (2/250636) total alleles studied. The highest observed frequency was 0.011% (2/18378) of East Asian alleles. Based on insufficient or conflicting evidence, the clinical significance of this alteration remains unclear.

Labcorp Genetics (formerly Invitae), Labcorp
Classification: Uncertain significance for LAMA2-related muscular dystrophy. Last evaluated: 2021-08-28. Review status: criteria provided, single submitter. Criteria: Invitae Variant Classification Sherloc (09022015). Collection method: clinical testing. Allele origin: germline.
Comment: This sequence change replaces methionine with valine at codon 1349 of the LAMA2 protein (p.Met1349Val). The methionine residue is moderately conserved and there is a small physicochemical difference between methionine and valine. This variant is present in population databases (rs150743601, ExAC 0.02%). This variant has not been reported in the literature in individuals affected with LAMA2-related conditions. Algorithms developed to predict the effect of missense changes on protein structure and function output the following: SIFT: "Tolerated"; PolyPhen-2: "Benign"; Align-GVGD: "Class C0". The valine amino acid residue is found in multiple mammalian species, which suggests that this missense change does not adversely affect protein function. In summary, the available evidence is currently insufficient to determine the role of this variant in disease. Therefore, it has been classified as a Variant of Uncertain Significance.